The following is an entry in ClinVar:

Conditions:
Breast-ovarian cancer, familial, susceptibility to, 1 (BROVCA1). Also called: BRCA1 Hereditary Breast and Ovarian Cancer; OVARIAN CANCER, SUSCEPTIBILITY TO. Identifiers: Orphanet 145, MedGen C2676676, MONDO:0011450, OMIM 604370. Disease mechanism: loss of function.

Submission:

Brotman Baty Institute, University of Washington
No classification provided (evidence only). Condition: Breast-ovarian cancer, familial 1. Review status: no classification provided. Collection method: in vitro. Allele origin: not applicable. Functional consequence: functionally_normal.
ClinVar note: "not provided" was previously submitted as the classification for the variant. However, the classification appeared to be based only on an observation of functional data so it was converted to no classification on 2025-07-30.

NM_007294.4(BRCA1):c.5467+13C>A

Gene: BRCA1 (BRCA1 DNA repair associated; minus strand). Cytogenetic location: 17q21.31.
Variant type: single nucleotide variant.
Coding change: c.5467+13C>A on transcript NM_007294.4 (MANE Select); 13 bases into the intron after coding-DNA position 5467, C replaced by A.
Molecular consequence: intron variant.
Genome position (GRCh38, 1-based): chr17:43,047,630, G>T on the plus strand (C>A on the coding strand, the complement: BRCA1 is on the minus strand). VCF-style: chr17-43047630-G-T. GRCh37 (hg19) VCF-style: chr17-41199647-G-T.
Other names: c.2014+13C>A (NM_001408458.1, NM_001408461.1, NM_001408464.1 and 7 more transcripts); c.4576+13C>A (NM_001407967.1); c.5086+13C>A (NM_001407959.1); c.5200+13C>A (NM_001407931.1, NM_001407932.1, NM_001407928.1 and 4 more transcripts); c.5323+13C>A (NM_001407747.1, NM_001407745.1, NM_001407737.1 and 18 more transcripts); c.5083+13C>A (NM_001407962.1, NM_001407960.1); c.1654+13C>A (NM_001408512.1); c.1777+13C>A (NM_001408510.1); and 83 more.
Identifiers: ClinVar variation 868937 (VCV000868937.3), dbSNP rs2050972801, ClinGen allele CA916080749.